The following is an entry in ClinVar:

ClinVar aggregate classification (germline): Benign/Likely benign. Review status: criteria provided, multiple submitters, no conflicts (2 of 4 stars). 4 submissions from 2 submitters: Benign (1); Likely benign (3). Last evaluated 2019-12-31.

Conditions:
Age related macular degeneration 5. Identifiers: MedGen C3151063, MONDO:0013409, OMIM 613761.
Cockayne syndrome type 2 (CSB). Also called: Cockayne Syndrome, Type II; COCKAYNE SYNDROME B. Identifiers: Orphanet 191, Orphanet 90322, MedGen C0751038, MONDO:0019570, OMIM 133540.
Cerebrooculofacioskeletal syndrome 1 (COFS1). Also called: Cerebro-oculo-facio-skeletal syndrome 1. Identifiers: MedGen C0220722, MONDO:0008955, OMIM 214150.

Allele frequency attached by ClinVar (database versions not stated): gnomAD exomes 0.00046; ExAC 0.00056; gnomAD 0.00180 and 0.00191; TOPMed 0.00181; 1000 Genomes Project 0.00260; 1000 Genomes Project 30x 0.00281.

Submissions (4):

Labcorp Genetics (formerly Invitae), Labcorp
Classification: Benign. Last evaluated: 2019-12-31. Review status: criteria provided, single submitter. Criteria: Invitae Variant Classification Sherloc (09022015). Collection method: clinical testing. Allele origin: germline.

Illumina Laboratory Services, Illumina
Classification: Likely benign for Cockayne syndrome type 2. Last evaluated: 2018-01-13. Review status: criteria provided, single submitter. Criteria: ICSL Variant Classification Criteria 13 December 2019. Collection method: clinical testing. Allele origin: germline.
Comment: This variant was observed in the ICSL laboratory as part of a predisposition screen in an ostensibly healthy population. It had not been previously curated by ICSL or reported in the Human Gene Mutation Database (HGMD: prior to June 1st, 2018), and was therefore a candidate for classification through an automated scoring system. Utilizing variant allele frequency, disease prevalence and penetrance estimates, and inheritance mode, an automated score was calculated to assess if this variant is too frequent to cause the disease. Based on the score and internal cut-off values, a variant classified as likely benign is not then subjected to further curation. The score for this variant resulted in a classification of likely benign for this disease.

Illumina Laboratory Services, Illumina
Classification: Likely benign for Cerebrooculofacioskeletal syndrome 1. Last evaluated: 2018-01-13. Review status: criteria provided, single submitter. Criteria: ICSL Variant Classification Criteria 13 December 2019. Collection method: clinical testing. Allele origin: germline.
Comment: the same text as in the submission from Illumina Laboratory Services, Illumina above.

Illumina Laboratory Services, Illumina
Classification: Likely benign for Age related macular degeneration 5. Last evaluated: 2018-01-13. Review status: criteria provided, single submitter. Criteria: ICSL Variant Classification Criteria 13 December 2019. Collection method: clinical testing. Allele origin: germline.
Comment: the same text as in the submission from Illumina Laboratory Services, Illumina above.

NM_000124.4(ERCC6):c.3482G>C (p.Ser1161Thr)

Gene: ERCC6 (ERCC excision repair 6, chromatin remodeling factor; minus strand). Cytogenetic location: 10q11.23.
Variant type: single nucleotide variant.
Coding change: c.3482G>C on transcript NM_000124.4 (MANE Select); coding-DNA position 3482, G replaced by C.
Protein change: p.Ser1161Thr; replaces serine 1161 with threonine.
Molecular consequence: missense variant.
Genome position (GRCh38, 1-based): chr10:49,470,478, C>G on the plus strand (G>C on the coding strand, the complement: ERCC6 is on the minus strand). VCF-style: chr10-49470478-C-G. GRCh37 (hg19) VCF-style: chr10-50678524-C-G.
Other names: c.3482G>C, p.Ser1161Thr (NM_001346440.2); short protein forms S1161T.
Identifiers: ClinVar variation 300046 (VCV000300046.9), dbSNP rs148636026, ClinGen allele CA5495341.